The following is an entry in ClinVar:

ClinVar aggregate classification (germline): Uncertain significance (1 of 4 stars; one submission).

Submission:

GeneDx
Classification: Uncertain significance. Last evaluated: 2026-04-13. Review status: criteria provided, single submitter. Criteria: GeneDx Variant Classification Process June 2021. Collection method: clinical testing. Allele origin: germline.
Comment: Not observed at significant frequency in large population cohorts (gnomAD); In silico analysis supports that this missense variant has a deleterious effect on protein structure/function; Has not been previously published as pathogenic or benign to our knowledge

NM_024496.4(IRF2BPL):c.1355G>A (p.Gly452Asp)

Gene: IRF2BPL (interferon regulatory factor 2 binding protein like; minus strand). Cytogenetic location: 14q24.3.
Variant type: single nucleotide variant.
Coding change: c.1355G>A on transcript NM_024496.4 (MANE Select); coding-DNA position 1355, G replaced by A.
Protein change: p.Gly452Asp; replaces glycine 452 with aspartic acid.
Molecular consequence: missense variant.
Genome position (GRCh38, 1-based): chr14:77,026,438, C>T on the plus strand (G>A on the coding strand, the complement: IRF2BPL is on the minus strand). VCF-style: chr14-77026438-C-T. GRCh37 (hg19) VCF-style: chr14-77492781-C-T.
Other names: short protein forms G452D.
Identifiers: ClinVar variation 5037150 (VCV005037150.1).
Genomic context (GRCh38, chr14:77,026,438, plus strand): 5'-CGCCAGTCCCCGGAGCCGTGCTTCTTTTCGTACTCCAGGTACTTGAAACCCGAGGATAGG[C>T]CCCGGCCGAAGTCCTTCATGCAGTCCTGATACATCTGCTTGGCCACACCAGATGCACTGG-3'
Protein context (NP_078772.1, residues 442-462): YQDCMKDFGR[Gly452Asp]LSSGFKYLEY